The following is an entry in ClinVar:

ClinVar aggregate classification (germline): Benign (0 of 4 stars; one submission).

Conditions:
NLRP5-related disorder. Also called: NLRP5-related condition.

Allele frequency attached by ClinVar (database versions not stated): TOPMed 0.03130; ExAC 0.03062; 1000 Genomes Project 0.01717; 1000 Genomes Project 30x 0.01796; gnomAD 0.03081; ESP Exome Variant Server 0.03771; gnomAD exomes 0.04176.
gnomAD v4.1: 65,488 of 1,613,864 alleles (4.1%); highest among the groups gnomAD compares: Non-Finnish European, 4.9%; 1,623 homozygotes.

Submission:

PreventionGenetics, part of Exact Sciences
Classification: Benign for NLRP5-related condition. Last evaluated: 2024-03-06. Review status: no assertion criteria provided. Collection method: clinical testing. Allele origin: germline.
Comment: This variant is classified as benign based on ACMG/AMP sequence variant interpretation guidelines (Richards et al. 2015 PMID: 25741868, with internal and published modifications).

NM_001433705.1(NLRP5):c.159C>T (p.Ala53=)

Gene: NLRP5 (NLR family pyrin domain containing 5; plus strand). Cytogenetic location: 19q13.43.
Variant type: single nucleotide variant.
Coding change: c.159C>T on transcript NM_001433705.1 (MANE Select); coding-DNA position 159, C replaced by T.
Protein change: p.Ala53=; no amino-acid change (alanine 53 retained).
Molecular consequence: synonymous variant.
Genome position (GRCh38, 1-based): chr19:56,003,965, C>T. VCF-style: chr19-56003965-C-T. GRCh37 (hg19) VCF-style: chr19-56515331-C-T.
Other names: NM_153447.4:c.312C>T.
Identifiers: ClinVar variation 3056195 (VCV003056195.2), dbSNP rs35669530, ClinGen allele CA9685158.
Genomic context (GRCh38, chr19:56,003,965, plus strand): 5'-AAAGAAGAAATCTTCAGAATCGACCACATGCTCTATTCCACAGTTTGAAATCGAGAATGC[C>T]AACGTGGAATGTCTGGCACTCCTCTTGCATGAGTATTATGGAGCATCGCTGGCCTGGGCT-3'
Protein context (NP_001420634.1, residues 43-63): CSIPQFEIEN[Ala53=]NVECLALLLH